The following is an entry in ClinVar:

ClinVar aggregate classification (germline): Uncertain significance. Review status: criteria provided, multiple submitters, no conflicts (2 of 4 stars). 2 submissions from 2 submitters: Uncertain significance (2). Last evaluated 2025-10-03.

Conditions:
Immunodeficiency. Identifiers: MedGen C0021051, MONDO:0021094, HP:0002721.

Allele frequency attached by ClinVar (database versions not stated): gnomAD 0.00001; gnomAD exomes 0.00001 and 0.00002; ExAC 0.00002.

Submissions (2):

Labcorp Genetics (formerly Invitae), Labcorp
Classification: Uncertain significance for Immunodeficiency. Last evaluated: 2025-10-03. Review status: criteria provided, single submitter. Criteria: Invitae Variant Classification Sherloc (09022015). Collection method: clinical testing. Allele origin: germline.
Comment: This sequence change replaces serine, which is neutral and polar, with asparagine, which is neutral and polar, at codon 108 of the NFAT5 protein (p.Ser108Asn). This variant is present in population databases (rs752137755, gnomAD 0.01%). This variant has not been reported in the literature in individuals affected with NFAT5-related conditions. ClinVar contains an entry for this variant (Variation ID: 842743). An algorithm developed to predict the effect of missense changes on protein structure and function (PolyPhen-2) suggests that this variant is likely to be disruptive. In summary, the available evidence is currently insufficient to determine the role of this variant in disease. Therefore, it has been classified as a Variant of Uncertain Significance.

Ambry Genetics
Classification: Uncertain significance. Last evaluated: 2021-07-14. Review status: criteria provided, single submitter. Criteria: Ambry Variant Classification Scheme 2023. Collection method: clinical testing. Allele origin: germline.

NM_138713.4(NFAT5):c.605G>A (p.Ser202Asn)

Gene: NFAT5 (nuclear factor of activated T cells 5; plus strand). Cytogenetic location: 16q22.1.
Variant type: single nucleotide variant.
Coding change: c.605G>A on transcript NM_138713.4 (MANE Select); coding-DNA position 605, G replaced by A.
Protein change: p.Ser202Asn; replaces serine 202 with asparagine.
Molecular consequence: missense variant. On other transcripts: intron variant (1).
Genome position (GRCh38, 1-based): chr16:69,647,379, G>A. VCF-style: chr16-69647379-G-A. GRCh37 (hg19) VCF-style: chr16-69681282-G-A.
Other names: c.605G>A, p.Ser202Asn (NM_001113178.3); c.551G>A, p.Ser184Asn (NM_006599.4); c.323G>A, p.Ser108Asn (NM_138714.4, NM_173214.3, NM_173215.3); c.140+212G>A (NM_001367709.1); c.605G>A (NM_138713.3); short protein forms S202N, S184N, S108N.
Identifiers: ClinVar variation 842743 (VCV000842743.8), dbSNP rs752137755, ClinGen allele CA8135384.
Genomic context (GRCh38, chr16:69,647,379, plus strand): 5'-GTGGATTGGAATCTGAGCAGAGCTGCAGTATGTGGATGGAGGATTCCCCCTCCAACTTCA[G>A]TAACATGAGCACCAGTTCCTACAATGATAACACTGAGGTACCTCGTAAATCACGAAAACG-3'
Protein context (NP_619727.2, residues 192-212): MWMEDSPSNF[Ser202Asn]NMSTSSYNDN